The following is an entry in ClinVar:

NM_133497.4(KCNV2):c.999C>T (p.Ser333=)

Gene: KCNV2 (potassium voltage-gated channel modifier subfamily V member 2; plus strand). Cytogenetic location: 9p24.2.
Variant type: single nucleotide variant.
Coding change: c.999C>T on transcript NM_133497.4 (MANE Select); coding-DNA position 999, C replaced by T.
Protein change: p.Ser333=; no amino-acid change (serine 333 retained).
Molecular consequence: synonymous variant.
Genome position (GRCh38, 1-based): chr9:2,718,738, C>T. VCF-style: chr9-2718738-C-T. GRCh37 (hg19) VCF-style: chr9-2718738-C-T.
Identifiers: ClinVar variation 914726 (VCV000914726.9), dbSNP rs946520647, ClinGen allele CA187973640.

ClinVar aggregate classification (germline): Conflicting classifications of pathogenicity. Review status: criteria provided, conflicting classifications (1 of 4 stars). 3 submissions from 3 submitters: Uncertain significance (1); Likely benign (2). Last evaluated 2026-06-23.

Conditions:
Cone dystrophy with supernormal rod response (CDSRR). Also called: CONE DYSTROPHY WITH SUPERNORMAL ROD RESPONSES. Identifiers: Orphanet 209932, MedGen C1835897, MONDO:0012475, OMIM 610356.
KCNV2-related disorder. Also called: KCNV2-related condition.

Allele frequency attached by ClinVar (database versions not stated): gnomAD exomes below 0.00001; gnomAD 0.00001; TOPMed 0.00001.
gnomAD v4.1: 34 of 1,612,060 alleles (0.0021%); highest among the groups gnomAD compares: East Asian, 0.071%; no homozygotes.

Submissions (3):

PreventionGenetics, part of Exact Sciences
Classification: Likely benign for KCNV2-related condition. Last evaluated: 2026-06-23. Review status: criteria provided, single submitter. Criteria: ACMG Guidelines, 2015. Collection method: clinical testing. Allele origin: germline.
Comment: This variant is classified as likely benign based on ACMG/AMP sequence variant interpretation guidelines (Richards et al. 2015 PMID: 25741868, with internal and published modifications).

Labcorp Genetics (formerly Invitae), Labcorp
Classification: Likely benign. Last evaluated: 2023-02-17. Review status: criteria provided, single submitter. Criteria: Invitae Variant Classification Sherloc (09022015). Collection method: clinical testing. Allele origin: germline.

Illumina Laboratory Services, Illumina
Classification: Uncertain significance for Cone dystrophy with supernormal rod response. Last evaluated: 2018-01-13. Review status: criteria provided, single submitter. Criteria: ICSL Variant Classification Criteria 13 December 2019. Collection method: clinical testing. Allele origin: germline.